The following is an entry in ClinVar:

ClinVar aggregate classification (germline): Conflicting classifications of pathogenicity. Review status: criteria provided, conflicting classifications (1 of 4 stars). 5 submissions from 5 submitters: Uncertain significance (2); Likely benign (2). 1 of the submissions does not count toward it. Last evaluated 2025-11-23.

Conditions:
Familial focal epilepsy with variable foci (FPEVF). Identifiers: Orphanet 98820, MedGen C1858477, MONDO:0020310.
Inborn genetic diseases. Identifiers: MedGen C0950123, MeSH D030342.
Intellectual disability. Also called: Intellectual developmental disorder; Intellectual functioning disability; intellectual disabilities. Identifiers: MedGen C3714756, MeSH D008607, MONDO:0001071, HP:0001249.

Allele frequency attached by ClinVar (database versions not stated): TOPMed 0.00002.
gnomAD v4.1: 54 of 1,613,778 alleles (0.0033%); highest among the groups gnomAD compares: Admixed American, 0.01%; no homozygotes.

Submissions (5):

Labcorp Genetics (formerly Invitae), Labcorp
Classification: Uncertain significance for Familial focal epilepsy with variable foci. Last evaluated: 2025-11-23. Review status: criteria provided, single submitter. Criteria: Invitae Variant Classification Sherloc (09022015). Collection method: clinical testing. Allele origin: germline.
Comment: This sequence change replaces alanine, which is neutral and non-polar, with threonine, which is neutral and polar, at codon 431 of the DEPDC5 protein (p.Ala431Thr). This variant is present in population databases (rs777844378, gnomAD 0.02%). This variant has not been reported in the literature in individuals affected with DEPDC5-related conditions. ClinVar contains an entry for this variant (Variation ID: 447243). An algorithm developed to predict the effect of missense changes on protein structure and function outputs the following: PolyPhen-2: "Not Available". The threonine amino acid residue is found in multiple mammalian species, which suggests that this missense change does not adversely affect protein function. In summary, the available evidence is currently insufficient to determine the role of this variant in disease. Therefore, it has been classified as a Variant of Uncertain Significance.

CeGaT Center for Human Genetics Tuebingen
Classification: Likely benign. Last evaluated: 2022-08-01. Review status: criteria provided, single submitter. Criteria: CeGaT Center For Human Genetics Tuebingen Variant Classification Criteria Version 2. Collection method: clinical testing. Allele origin: germline. Affected: yes. Observed: 1 variant allele.
Comment: DEPDC5: BP4

Ambry Genetics
Classification: Likely benign for Inborn genetic diseases. Last evaluated: 2018-11-15. Review status: criteria provided, single submitter. Criteria: Ambry Variant Classification Scheme 2023. Collection method: clinical testing. Allele origin: germline.

Athena Diagnostics
Classification: Uncertain significance. Last evaluated: 2016-10-14. Review status: criteria provided, single submitter. Criteria: Athena Diagnostics Criteria. Collection method: clinical testing. Allele origin: germline.

Centre de Biologie Pathologie Génétique, Centre Hospitalier Universitaire de Lille
Classification: Likely benign for Intellectual disability. Last evaluated: 2019-01-01. Review status: no assertion criteria provided. Collection method: clinical testing. Allele origin: inherited. Affected: yes. Not counted in ClinVar's aggregate classification.

NM_001242896.3(DEPDC5):c.1291G>A (p.Ala431Thr)

Gene: DEPDC5 (DEP domain containing 5, GATOR1 subcomplex subunit; plus strand). Cytogenetic location: 22q12.3.
Variant type: single nucleotide variant.
Coding change: c.1291G>A on transcript NM_001242896.3 (MANE Select); coding-DNA position 1291, G replaced by A.
Protein change: p.Ala431Thr; replaces alanine 431 with threonine.
Molecular consequence: missense variant. On other transcripts: non-coding transcript variant (5).
Genome position (GRCh38, 1-based): chr22:31,809,614, G>A. VCF-style: chr22-31809614-G-A. GRCh37 (hg19) VCF-style: chr22-32205600-G-A.
Other names: c.1291G>A, p.Ala431Thr (NM_001007188.4, NM_001136029.4, NM_001242897.2 and 7 more transcripts); c.1207G>A, p.Ala403Thr (NM_001369901.1, NM_001369902.1); short protein forms A431T, A403T.
Identifiers: ClinVar variation 447243 (VCV000447243.42), dbSNP rs777844378, ClinGen allele CA10196321.